The following is an entry in ClinVar:

ClinVar aggregate classification (germline): Uncertain significance. Review status: criteria provided, multiple submitters, no conflicts (2 of 4 stars). 2 submissions from 2 submitters: Uncertain significance (2). Last evaluated 2025-09-01.

Conditions:
Inborn genetic diseases. Identifiers: MedGen C0950123, MeSH D030342.

gnomAD v4.1: 76 of 1,611,938 alleles (0.0047%); highest among the groups gnomAD compares: African/African-American, 0.093%; no homozygotes.

Submissions (2):

Ambry Genetics
Classification: Uncertain significance for Inborn genetic diseases. Last evaluated: 2025-09-01. Review status: criteria provided, single submitter. Criteria: Ambry Variant Classification Scheme 2023. Collection method: clinical testing. Allele origin: germline.

Labcorp Genetics (formerly Invitae), Labcorp
Classification: Uncertain significance. Last evaluated: 2024-05-26. Review status: criteria provided, single submitter. Criteria: Invitae Variant Classification Sherloc (09022015). Collection method: clinical testing. Allele origin: germline.
Comment: This sequence change replaces glutamic acid, which is acidic and polar, with lysine, which is basic and polar, at codon 77 of the C1QC protein (p.Glu77Lys). This variant is present in population databases (rs141230621, gnomAD 0.07%). This variant has not been reported in the literature in individuals affected with C1QC-related conditions. An algorithm developed to predict the effect of missense changes on protein structure and function (PolyPhen-2) suggests that this variant is likely to be disruptive. In summary, the available evidence is currently insufficient to determine the role of this variant in disease. Therefore, it has been classified as a Variant of Uncertain Significance.

NM_172369.5(C1QC):c.229G>A (p.Glu77Lys)

Gene: C1QC (complement C1q C chain; plus strand). Cytogenetic location: 1p36.12.
Variant type: single nucleotide variant.
Coding change: c.229G>A on transcript NM_172369.5 (MANE Select); coding-DNA position 229, G replaced by A.
Protein change: p.Glu77Lys; replaces glutamic acid 77 with lysine.
Molecular consequence: missense variant. On other transcripts: 5 prime UTR variant (1).
Genome position (GRCh38, 1-based): chr1:22,647,274, G>A. VCF-style: chr1-22647274-G-A. GRCh37 (hg19) VCF-style: chr1-22973767-G-A.
Other names: c.229G>A, p.Glu77Lys (NM_001114101.3, NM_001347619.2); c.-39G>A (NM_001347620.2); c.229G>A (NM_172369.3); short protein forms E77K.
Identifiers: ClinVar variation 3711772 (VCV003711772.3).
Genomic context (GRCh38, chr1:22,647,274, plus strand): 5'-TCTCCATCTCCAGGAATCCCAGCCATTCCCGGGATCCGAGGACCCAAAGGGCAGAAGGGA[G>A]AACCCGGCTTACCCGGCCATCCTGGGAAAAATGGCCCCATGGGACCCCCTGGGATGCCAG-3'
Protein context (NP_758957.2, residues 67-87): GIRGPKGQKG[Glu77Lys]PGLPGHPGKN